The following is an entry in ClinVar:

ClinVar aggregate classification (germline): Conflicting classifications of pathogenicity. Review status: criteria provided, conflicting classifications (1 of 4 stars). 5 submissions from 5 submitters: Pathogenic (1); Likely pathogenic (3); Uncertain significance (1). Last evaluated 2025-12-08.

Conditions:
Joubert syndrome and related disorders. Identifiers: Orphanet 140874, MedGen C5679612, MONDO:0015369.
NPHP3-related Meckel-like syndrome. Also called: GOLDSTON SYNDROME; Meckel syndrome type 7. Identifiers: Orphanet 3032, MedGen C2673885, MONDO:0009966, OMIM 267010.
Nephronophthisis 3 (NPHP3). Also called: Adolescent nephronophthisis. Identifiers: Orphanet 655, MedGen C1858392, MONDO:0011456, OMIM 604387.
Renal-hepatic-pancreatic dysplasia 1 (RHPD1). Identifiers: MedGen C3715199, MONDO:0008833, OMIM 208540.
Nephronophthisis. Also called: Juvenile Nephronophthisis. Identifiers: Orphanet 655, MedGen C0687120, MONDO:0019005, HP:0000090.

Submissions (5):

Labcorp Genetics (formerly Invitae), Labcorp
Classification: Pathogenic for Nephronophthisis. Last evaluated: 2025-12-08. Review status: criteria provided, single submitter. Criteria: Invitae Variant Classification Sherloc (09022015). Collection method: clinical testing. Allele origin: germline.
Comment: This variant, c.1304_1306del, results in the deletion of 1 amino acid(s) of the NPHP3 protein (p.Glu435del), but otherwise preserves the integrity of the reading frame. This variant is not present in population databases (gnomAD no frequency). This variant has been observed in individual(s) with clinical features of nephronophthisis (PMID: 23559409, 26184788, 34031707; internal data). In at least one individual the data is consistent with being in trans (on the opposite chromosome) from a pathogenic variant. This variant is also known as c.1302- 1304del AGA. ClinVar contains an entry for this variant (Variation ID: 462722). For these reasons, this variant has been classified as Pathogenic.

GeneDx
Classification: Likely pathogenic. Last evaluated: 2024-12-09. Review status: criteria provided, single submitter. Criteria: GeneDx Variant Classification Process June 2021. Collection method: clinical testing. Allele origin: germline. Affected: yes.
Comment: In silico analysis supports a deleterious effect on protein structure/function; In-frame deletion of 1 amino acid in a non-repeat region; Not observed at significant frequency in large population cohorts (gnomAD); This variant is associated with the following publications: (PMID: 23559409, 33323469, 34031707, 32173348, 36090483, 26184788)

Women's Health and Genetics/Laboratory Corporation of America, LabCorp
Classification: Likely pathogenic for Joubert syndrome and related disorders. Last evaluated: 2022-06-30. Review status: criteria provided, single submitter. Criteria: LabCorp Variant Classification Summary - May 2015. Collection method: clinical testing. Allele origin: germline.
Comment: Variant summary: NPHP3 c.1304_1306delAAG (p.Glu435del) results in an in-frame deletion that is predicted to remove one amino acid from the encoded protein. The variant was absent in 249742 control chromosomes (gnomAD). The variant, c.1304_1306delAAG, has been reported in the literature in multiple compound heterozygous individuals (all carrying a (likely) pathogenic variant in trans) affected with nephronophthisis (Halbritter_2013, Sun_2016, Yue_2020, Chen_2021, Tang_2022), with hepatic involvement described in most of these cases. These data indicate that the variant is likely to be associated with disease. To our knowledge, no experimental evidence demonstrating an impact on protein function has been reported. One clinical diagnostic laboratory has submitted clinical-significance assessments for this variant to ClinVar after 2014 without evidence for independent evaluation, classified the variant as likely pathogenic. Based on the evidence outlined above, the variant was classified as likely pathogenic.

Fulgent Genetics
Classification: Likely pathogenic for Renal-hepatic-pancreatic dysplasia 1; NPHP3-related Meckel-like syndrome; Nephronophthisis 3. Last evaluated: 2022-05-19. Review status: criteria provided, single submitter. Criteria: ACMG Guidelines, 2015. Collection method: clinical testing. Allele origin: unknown.

Revvity Omics, Revvity
Classification: Uncertain significance. Last evaluated: 2021-10-04. Review status: criteria provided, single submitter. Criteria: ACMG Guidelines, 2015. Collection method: clinical testing. Allele origin: germline.

Literature cited by the submitters: PubMed 23559409 (cited by Labcorp Genetics (formerly Invitae), Labcorp and Women's Health and Genetics/Laboratory Corporation of America, LabCorp); PubMed 26184788 (cited by Labcorp Genetics (formerly Invitae), Labcorp and Women's Health and Genetics/Laboratory Corporation of America, LabCorp); PubMed 34031707 (cited by Labcorp Genetics (formerly Invitae), Labcorp and Women's Health and Genetics/Laboratory Corporation of America, LabCorp); PubMed 33323469 (cited by Women's Health and Genetics/Laboratory Corporation of America, LabCorp); PubMed 32173348 (cited by Women's Health and Genetics/Laboratory Corporation of America, LabCorp).

NM_153240.5(NPHP3):c.1304_1306del (p.Glu435del)

Genes: NPHP3 (nephrocystin 3; minus strand), NPHP3-ACAD11 (NPHP3-ACAD11 readthrough (NMD candidate); minus strand). Cytogenetic location: 3q22.1.
Variant type: Deletion.
Coding change: c.1304_1306del on transcript NM_153240.5 (MANE Select); coding-DNA positions 1304 to 1306, 3 bases deleted (AAG; older notation c.1304_1306delAAG).
Protein change: p.Glu435del; deletes glutamic acid 435.
Molecular consequence: inframe deletion. On other transcripts: non-coding transcript variant (1).
Genome position (GRCh38, 1-based): chr3:132,705,784-132,705,786, CTT deleted on the plus strand (AAG on the coding strand, the reverse complement: NPHP3 is on the minus strand); deleting any 3 consecutive bases within chr3:132,705,784-132,705,788 gives the same sequence; the c. name uses the placement nearest the transcript's 3' end. VCF-style (leftmost placement, unchanged base first): chr3-132705783-CCTT-C. GRCh37 (hg19) VCF-style: chr3-132424627-CCTT-C.
Other names: c.1304_1306del (NM_153240.4); short protein forms E435del.
Identifiers: ClinVar variation 462722 (VCV000462722.15), dbSNP rs1456714047, ClinGen allele CA658657338.
Genomic context (GRCh38, chr3:132,705,783, plus strand): 5'-AGAGAATGCATATTTACCTGTTTAATAATCTTTTCTACACAAATATAAGTTTTATATACT[CCTT>C]CTGCAGGATCTCCTGAGTGATCAATGATCTAGATAAAAATCATTTAAGAACAATGAGAAA-3'